The following is an entry in ClinVar:

ClinVar aggregate classification (germline): Uncertain significance. Review status: criteria provided, multiple submitters, no conflicts (2 of 4 stars). 2 submissions from 2 submitters: Uncertain significance (2). Last evaluated 2022-09-20.

Conditions:
DICER1-related tumor predisposition. Also called: DICER1-related pleuropulmonary blastoma cancer predisposition syndrome; DICER1 syndrome. Identifiers: Orphanet 284343, MedGen C3839822, MONDO:0100216.
Hereditary cancer-predisposing syndrome. Also called: Neoplastic Syndromes, Hereditary; Tumor predisposition; Hereditary neoplastic syndrome; Hereditary Cancer Syndrome. Identifiers: Orphanet 140162, MedGen C0027672, MeSH D009386, MONDO:0015356.

gnomAD v4.1: 1 of 1,613,880 alleles (0.000062%); highest among the groups gnomAD compares: Non-Finnish European, 0.000085%; no homozygotes.

Submissions (2):

Labcorp Genetics (formerly Invitae), Labcorp
Classification: Uncertain significance for DICER1-related tumor predisposition. Last evaluated: 2022-09-20. Review status: criteria provided, single submitter. Criteria: Invitae Variant Classification Sherloc (09022015). Collection method: clinical testing. Allele origin: germline.
Comment: In summary, the available evidence is currently insufficient to determine the role of this variant in disease. Therefore, it has been classified as a Variant of Uncertain Significance. Advanced modeling of protein sequence and biophysical properties (such as structural, functional, and spatial information, amino acid conservation, physicochemical variation, residue mobility, and thermodynamic stability) performed at Invitae indicates that this missense variant is not expected to disrupt DICER1 protein function. This variant has not been reported in the literature in individuals affected with DICER1-related conditions. This variant is not present in population databases (gnomAD no frequency). This sequence change replaces lysine, which is basic and polar, with asparagine, which is neutral and polar, at codon 833 of the DICER1 protein (p.Lys833Asn).

Ambry Genetics
Classification: Uncertain significance for Hereditary cancer-predisposing syndrome. Last evaluated: 2020-11-13. Review status: criteria provided, single submitter. Criteria: Ambry Variant Classification Scheme 2023. Collection method: clinical testing. Allele origin: germline.
Comment: The p.K833N variant (also known as c.2499G>C), located in coding exon 15 of the DICER1 gene, results from a G to C substitution at nucleotide position 2499. The lysine at codon 833 is replaced by asparagine, an amino acid with similar properties. This amino acid position is highly conserved in available vertebrate species. In addition, this alteration is predicted to be tolerated by in silico analysis. Since supporting evidence is limited at this time, the clinical significance of this alteration remains unclear.

NM_177438.3(DICER1):c.2499G>C (p.Lys833Asn)

Gene: DICER1 (dicer 1, ribonuclease III; minus strand). Cytogenetic location: 14q32.13.
Variant type: single nucleotide variant.
Coding change: c.2499G>C on transcript NM_177438.3 (MANE Select); coding-DNA position 2499, G replaced by C.
Protein change: p.Lys833Asn; replaces lysine 833 with asparagine.
Molecular consequence: missense variant. On other transcripts: non-coding transcript variant (6).
Genome position (GRCh38, 1-based): chr14:95,108,031, C>G on the plus strand (G>C on the coding strand, the complement: DICER1 is on the minus strand). VCF-style: chr14-95108031-C-G. GRCh37 (hg19) VCF-style: chr14-95574368-C-G.
Other names: c.2499G>C, p.Lys833Asn (NM_001195573.1, NM_001271282.3, NM_001291628.2 and 13 more transcripts); c.2217G>C, p.Lys739Asn (NM_001395686.1); c.2094G>C, p.Lys698Asn (NM_001395687.1, NM_001395688.1, NM_001395689.1 and 2 more transcripts); c.1932G>C, p.Lys644Asn (NM_001395691.1); c.816G>C, p.Lys272Asn (NM_001395697.1); short protein forms K272N, K739N, K644N, K698N, K833N.
Identifiers: ClinVar variation 1792163 (VCV001792163.7), dbSNP rs2542842446, ClinGen allele CA390881899.